The following is an entry in ClinVar:

NM_006639.4(CYSLTR1):c.882A>G (p.Leu294=)

Gene: CYSLTR1 (cysteinyl leukotriene receptor 1; minus strand). Cytogenetic location: Xq21.1.
Variant type: single nucleotide variant.
Coding change: c.882A>G on transcript NM_006639.4 (MANE Select); coding-DNA position 882, A replaced by G.
Protein change: p.Leu294=; no amino-acid change (leucine 294 retained).
Molecular consequence: synonymous variant.
Genome position (GRCh38, 1-based): chrX:78,272,865, T>C on the plus strand (A>G on the coding strand, the complement: CYSLTR1 is on the minus strand). VCF-style: chrX-78272865-T-C. GRCh37 (hg19) VCF-style: chrX-77528362-T-C.
Other names: c.882A>G, p.Leu294= (NM_001282186.2, NM_001282187.2, NM_001282188.2).
Identifiers: ClinVar variation 2660970 (VCV002660970.24), dbSNP rs202034689, ClinGen allele CA10460149.

ClinVar aggregate classification (germline): Likely benign (1 of 4 stars; one submission).

Allele frequency attached by ClinVar (database versions not stated): ExAC 0.00001; gnomAD 0.00001; gnomAD exomes 0.00002; TOPMed 0.00002.
gnomAD v4.1: 25 of 1,209,037 alleles (0.0021%); highest among the groups gnomAD compares: Middle Eastern, 0.023%; no homozygotes.

Submission:

CeGaT Center for Human Genetics Tuebingen
Classification: Likely benign. Last evaluated: 2022-04-01. Review status: criteria provided, single submitter. Criteria: CeGaT Center For Human Genetics Tuebingen Variant Classification Criteria Version 2. Collection method: clinical testing. Allele origin: germline. Affected: yes. Observed: 1 variant allele.
Comment: CYSLTR1: BP4, BP7